The following is an entry in ClinVar:

ClinVar aggregate classification (germline): Pathogenic. Review status: criteria provided, multiple submitters, no conflicts (2 of 4 stars). 2 submissions from 2 submitters: Pathogenic (2). Last evaluated 2026-02-20.

Conditions:
Arrhythmogenic right ventricular dysplasia 8 (ARVD8). Also called: Arrhythmogenic Right Ventricular Dysplasia/Cardiomyopathy 8; ARRHYTHMOGENIC RIGHT VENTRICULAR DYSPLASIA, FAMILIAL, 8; ARRHYTHMOGENIC RIGHT VENTRICULAR CARDIOMYOPATHY 8. Identifiers: MedGen C1843896, MONDO:0011831, OMIM 607450.
Arrhythmogenic cardiomyopathy with wooly hair and keratoderma. Also called: Carvajal syndrome; Dilated cardiomyopathy with woolly hair and keratoderma; Arrhythmogenic cardiomyopathy with woolly hair and keratoderma; PALMOPLANTAR KERATODERMA WITH LEFT VENTRICULAR CARDIOMYOPATHY AND WOOLLY HAIR. Identifiers: Orphanet 65282, MedGen C1854063, MONDO:0011581, OMIM 605676.
Cardiovascular phenotype. Identifiers: MedGen CN230736.

Submissions (2):

Ambry Genetics
Classification: Pathogenic for Cardiovascular phenotype. Last evaluated: 2026-02-20. Review status: criteria provided, single submitter. Criteria: Ambry Variant Classification Scheme 2023. Collection method: clinical testing. Allele origin: germline.
Comment: The c.3850delA pathogenic mutation, located in coding exon 23 of the DSP gene, results from a deletion of one nucleotide at nucleotide position 3850, causing a translational frameshift with a predicted alternate stop codon (p.I1284*). This variant is considered to be rare based on population cohorts in the Genome Aggregation Database (gnomAD). This alteration is expected to result in loss of function by premature protein truncation or nonsense-mediated mRNA decay. As such, this alteration is interpreted as a disease-causing mutation.

Labcorp Genetics (formerly Invitae), Labcorp
Classification: Pathogenic for Arrhythmogenic cardiomyopathy with wooly hair and keratoderma; Arrhythmogenic right ventricular dysplasia 8. Last evaluated: 2025-09-27. Review status: criteria provided, single submitter. Criteria: Invitae Variant Classification Sherloc (09022015). Collection method: clinical testing. Allele origin: germline.
Comment: This sequence change creates a premature translational stop signal (p.Ile1284*) in the DSP gene. It is expected to result in an absent or disrupted protein product. Loss-of-function variants in DSP are known to be pathogenic (PMID: 20716751, 24503780, 25227139, 30398466). This variant is not present in population databases (gnomAD no frequency). This variant has not been reported in the literature in individuals affected with DSP-related conditions. ClinVar contains an entry for this variant (Variation ID: 2105098). For these reasons, this variant has been classified as Pathogenic.

Literature cited by the submitters: PubMed 20716751 (cited by Labcorp Genetics (formerly Invitae), Labcorp); PubMed 24503780 (cited by Labcorp Genetics (formerly Invitae), Labcorp); PubMed 25227139 (cited by Labcorp Genetics (formerly Invitae), Labcorp); PubMed 30398466 (cited by Labcorp Genetics (formerly Invitae), Labcorp).

NM_004415.4(DSP):c.3850del (p.Glu1283_Ile1284insTer)

Gene: DSP (desmoplakin; plus strand). Cytogenetic location: 6p24.3.
Variant type: Deletion.
Coding change: c.3850del on transcript NM_004415.4 (MANE Select); coding-DNA position 3850, one base deleted (A; older notation c.3850delA).
Protein change: p.Glu1283_Ile1284insTer.
Molecular consequence: nonsense. On other transcripts: intron variant (1).
Genome position (GRCh38, 1-based): chr6:7,580,040, A deleted. VCF-style (leftmost placement, unchanged base first): chr6-7580039-GA-G. GRCh37 (hg19) VCF-style: chr6-7580272-GA-G.
Other names: c.3850del, p.Glu1283_Ile1284insTer (NM_001319034.2); c.3582+268del (NM_001008844.3).
Identifiers: ClinVar variation 2105098 (VCV002105098.6), dbSNP rs2533926297, ClinGen allele CA2580075405.